The following is an entry in ClinVar:

ClinVar aggregate classification (germline): Pathogenic (1 of 4 stars; one submission).

Conditions:
Vici syndrome (VICIS). Identifiers: Orphanet 1493, MedGen C1855772, MONDO:0009452, OMIM 242840.

Submission:

Labcorp Genetics (formerly Invitae), Labcorp
Classification: Pathogenic for Vici syndrome. Last evaluated: 2024-01-05. Review status: criteria provided, single submitter. Criteria: Invitae Variant Classification Sherloc (09022015). Collection method: clinical testing. Allele origin: germline.
Comment: This sequence change creates a premature translational stop signal (p.Gln69*) in the EPG5 gene. It is expected to result in an absent or disrupted protein product. Loss-of-function variants in EPG5 are known to be pathogenic (PMID: 23222957, 23674064). This variant is not present in population databases (gnomAD no frequency). This variant has not been reported in the literature in individuals affected with EPG5-related conditions. For these reasons, this variant has been classified as Pathogenic.

Literature cited by the submitters: PubMed 23222957; PubMed 23674064.

NM_020964.3(EPG5):c.205C>T (p.Gln69Ter)

Gene: EPG5 (ectopic P-granules 5 autophagy tethering factor; minus strand). Cytogenetic location: 18q21.1.
Variant type: single nucleotide variant.
Coding change: c.205C>T on transcript NM_020964.3 (MANE Select); coding-DNA position 205, C replaced by T.
Protein change: p.Gln69Ter; replaces glutamine 69 with a stop codon.
Molecular consequence: nonsense.
Genome position (GRCh38, 1-based): chr18:45,955,197, G>A on the plus strand (C>T on the coding strand, the complement: EPG5 is on the minus strand). VCF-style: chr18-45955197-G-A. GRCh37 (hg19) VCF-style: chr18-43535163-G-A.
Other names: c.205C>T, p.Gln69Ter (NM_001410858.1, NM_001410859.1); short protein forms Q69*.
Identifiers: ClinVar variation 2707868 (VCV002707868.3), dbSNP rs2512131709, ClinGen allele CA402352236.
Genomic context (GRCh38, chr18:45,955,197, plus strand): 5'-TTAAGGAGGTGAGTGGTACATCAAACATTTCACTCTCATTTTGTCCACTGGCATCATCCT[G>A]GAGCTGGGAATCAGTTACCACCTTCAGATGGTCTCCTTTGAATTCACAGGCTAGAGAAGG-3'